The following is an entry in ClinVar:

ClinVar aggregate classification (germline): Uncertain significance. Review status: criteria provided, multiple submitters, no conflicts (2 of 4 stars). 2 submissions from 2 submitters: Uncertain significance (2). Last evaluated 2024-12-31.

Conditions:
Inborn genetic diseases. Identifiers: MedGen C0950123, MeSH D030342.
Landau-Kleffner syndrome (FESD). Also called: EPILEPSY, FOCAL, WITH SPEECH DISORDER AND WITH OR WITHOUT MENTAL RETARDATION; APHASIA, ACQUIRED, WITH EPILEPSY. Identifiers: Orphanet 1945, Orphanet 725, Orphanet 98818, MedGen C0282512, MONDO:0009509, OMIM 245570.

Allele frequency attached by ClinVar (database versions not stated): TOPMed 0.00001.

Submissions (2):

Ambry Genetics
Classification: Uncertain significance for Inborn genetic diseases. Last evaluated: 2024-12-31. Review status: criteria provided, single submitter. Criteria: Ambry Variant Classification Scheme 2023. Collection method: clinical testing. Allele origin: germline.

Labcorp Genetics (formerly Invitae), Labcorp
Classification: Uncertain significance for Landau-Kleffner syndrome. Last evaluated: 2022-10-08. Review status: criteria provided, single submitter. Criteria: Invitae Variant Classification Sherloc (09022015). Collection method: clinical testing. Allele origin: germline.
Comment: In summary, the available evidence is currently insufficient to determine the role of this variant in disease. Therefore, it has been classified as a Variant of Uncertain Significance. Advanced modeling of protein sequence and biophysical properties (such as structural, functional, and spatial information, amino acid conservation, physicochemical variation, residue mobility, and thermodynamic stability) performed at Invitae indicates that this missense variant is not expected to disrupt GRIN2A protein function. ClinVar contains an entry for this variant (Variation ID: 653757). This variant has not been reported in the literature in individuals affected with GRIN2A-related conditions. This variant is not present in population databases (gnomAD no frequency). This sequence change replaces methionine, which is neutral and non-polar, with valine, which is neutral and non-polar, at codon 324 of the GRIN2A protein (p.Met324Val).

NM_001134407.3(GRIN2A):c.970A>G (p.Met324Val)

Gene: GRIN2A (glutamate ionotropic receptor NMDA type subunit 2A; minus strand). Cytogenetic location: 16p13.2.
Variant type: single nucleotide variant.
Coding change: c.970A>G on transcript NM_001134407.3 (MANE Select); coding-DNA position 970, A replaced by G.
Protein change: p.Met324Val; replaces methionine 324 with valine.
Molecular consequence: missense variant.
Genome position (GRCh38, 1-based): chr16:9,937,996, T>C on the plus strand (A>G on the coding strand, the complement: GRIN2A is on the minus strand). VCF-style: chr16-9937996-T-C. GRCh37 (hg19) VCF-style: chr16-10031853-T-C.
Other names: c.970A>G (NM_000833.3); c.970A>G, p.Met324Val (NM_000833.5, NM_001134408.2); short protein forms M324V.
Identifiers: ClinVar variation 653757 (VCV000653757.10), dbSNP rs1596344233, ClinGen allele CA394798106.
Genomic context (GRCh38, chr16:9,937,996, plus strand): 5'-GGAGACAACAAGCCCTTTCTTACGGGTGCAAGGTGTGCATCGGGACCTCTGGCCTCTCCA[T>C]CTGCCCGTAGCAGCTGGCCTTGGCCTCGGGGATGTAGGAGAACTTCTCCAGCATAGAAGA-3'
Protein context (NP_001127879.1, residues 314-334): PEAKASCYGQ[Met324Val]ERPEVPMHTL